The following is an entry in ClinVar:

ClinVar aggregate classification (germline): Uncertain significance (1 of 4 stars; one submission).

Conditions:
Autosomal dominant epilepsy with auditory features. Identifiers: Orphanet 101046, MedGen C1838062, MONDO:0010898.

Submission:

Labcorp Genetics (formerly Invitae), Labcorp
Classification: Uncertain significance for Autosomal dominant epilepsy with auditory features. Last evaluated: 2024-01-02. Review status: criteria provided, single submitter. Criteria: Invitae Variant Classification Sherloc (09022015). Collection method: clinical testing. Allele origin: germline.
Comment: This sequence change replaces glutamine, which is neutral and polar, with lysine, which is basic and polar, at codon 466 of the LGI1 protein (p.Gln466Lys). This variant is not present in population databases (gnomAD no frequency). This variant has not been reported in the literature in individuals affected with LGI1-related conditions. ClinVar contains an entry for this variant (Variation ID: 2057748). Advanced modeling of protein sequence and biophysical properties (such as structural, functional, and spatial information, amino acid conservation, physicochemical variation, residue mobility, and thermodynamic stability) performed at Invitae indicates that this missense variant is not expected to disrupt LGI1 protein function with a negative predictive value of 80%. In summary, the available evidence is currently insufficient to determine the role of this variant in disease. Therefore, it has been classified as a Variant of Uncertain Significance.

NM_005097.4(LGI1):c.1396C>A (p.Gln466Lys)

Gene: LGI1 (leucine rich glioma inactivated 1; plus strand). Cytogenetic location: 10q23.33.
Variant type: single nucleotide variant.
Coding change: c.1396C>A on transcript NM_005097.4 (MANE Select); coding-DNA position 1396, C replaced by A.
Protein change: p.Gln466Lys; replaces glutamine 466 with lysine.
Molecular consequence: missense variant. On other transcripts: non-coding transcript variant (1), intron variant (1).
Genome position (GRCh38, 1-based): chr10:93,797,525, C>A. VCF-style: chr10-93797525-C-A. GRCh37 (hg19) VCF-style: chr10-95557282-C-A.
Other names: c.1252C>A, p.Gln418Lys (NM_001308276.2); c.839-224C>A (NM_001308275.2); short protein forms Q466K, Q418K.
Identifiers: ClinVar variation 2057748 (VCV002057748.4), dbSNP rs2492919720, ClinGen allele CA377629493.